The following is an entry in ClinVar:

NM_006904.7(PRKDC):c.8620G>C (p.Ala2874Pro)

Genes: PRKDC (protein kinase, DNA-activated, catalytic subunit; minus strand), LOC121740717 (Sharpr-MPRA regulatory region 7649; plus strand). Cytogenetic location: 8q11.21.
Variant type: single nucleotide variant.
Coding change: c.8620G>C on transcript NM_006904.7 (MANE Select); coding-DNA position 8620, G replaced by C.
Protein change: p.Ala2874Pro; replaces alanine 2874 with proline.
Molecular consequence: missense variant.
Genome position (GRCh38, 1-based): chr8:47,826,819, C>G on the plus strand (G>C on the coding strand, the complement: PRKDC is on the minus strand). VCF-style: chr8-47826819-C-G. GRCh37 (hg19) VCF-style: chr8-48739380-C-G.
Other names: c.8620G>C, p.Ala2874Pro (NM_001081640.2); short protein forms A2874P.
Identifiers: ClinVar variation 1393672 (VCV001393672.6), dbSNP rs2154499228, ClinGen allele CA371144081.

ClinVar aggregate classification (germline): Uncertain significance (1 of 4 stars; one submission).

Conditions:
Severe combined immunodeficiency due to DNA-PKcs deficiency. Also called: Immunodeficiency 26 with or without neurologic abnormalities; IMMUNODEFICIENCY 26 WITH NEUROLOGIC ABNORMALITIES. Identifiers: Orphanet 317425, MedGen C4014833, MONDO:0014423, OMIM 615966.

gnomAD v4.1: 1 of 1,604,160 alleles (0.000062%); highest among the groups gnomAD compares: Non-Finnish European, 0.000085%; no homozygotes.

Submission:

Labcorp Genetics (formerly Invitae), Labcorp
Classification: Uncertain significance for Severe combined immunodeficiency due to DNA-PKcs deficiency. Last evaluated: 2022-09-26. Review status: criteria provided, single submitter. Criteria: Invitae Variant Classification Sherloc (09022015). Collection method: clinical testing. Allele origin: germline.
Comment: In summary, the available evidence is currently insufficient to determine the role of this variant in disease. Therefore, it has been classified as a Variant of Uncertain Significance. Experimental studies and prediction algorithms are not available or were not evaluated, and the functional significance of this variant is currently unknown. ClinVar contains an entry for this variant (Variation ID: 1393672). This variant has not been reported in the literature in individuals affected with PRKDC-related conditions. This variant is not present in population databases (gnomAD no frequency). This sequence change replaces alanine, which is neutral and non-polar, with proline, which is neutral and non-polar, at codon 2874 of the PRKDC protein (p.Ala2874Pro).